The following is an entry in ClinVar:

ClinVar aggregate classification (germline): Pathogenic. Review status: criteria provided, multiple submitters, no conflicts (2 of 4 stars). 2 submissions from 2 submitters: Pathogenic (2). Last evaluated 2025-10-27.

Conditions:
Hereditary breast ovarian cancer syndrome. Also called: Hereditary breast and ovarian cancer syndrome (HBOC); Breast and ovarian cancer; Hereditary breast and/or ovarian cancer syndrome; Hereditary breast and ovarian cancer syndrome; BRCA1- and BRCA2-Associated Hereditary Breast and Ovarian Cancer; Hereditary breast and ovarian cancer. Identifiers: Orphanet 145, MedGen C0677776, MeSH D061325, MONDO:0003582. Disease mechanism: loss of function.

Submissions (2):

Dasa
Classification: Pathogenic for Hereditary breast ovarian cancer syndrome. Last evaluated: 2025-10-27. Review status: criteria provided, single submitter. Criteria: DASA Assertion Criteria. Collection method: clinical testing. Allele origin: germline. Observed: 1 variant allele.
Comment: NM_007294.4(BRCA1):c.450del (p.Ser151Valfs12) introduces a frameshift resulting in a premature termination codon. Loss-of-function is an established mechanism of disease for this gene. This variant has been reported in individuals with related phenotypes and is present at low frequency in population datasets. Based on the available data, this variant is classified as Pathogenic.

Labcorp Genetics (formerly Invitae), Labcorp
Classification: Pathogenic for Hereditary breast ovarian cancer syndrome. Last evaluated: 2025-01-23. Review status: criteria provided, single submitter. Criteria: Invitae Variant Classification Sherloc (09022015). Collection method: clinical testing. Allele origin: germline.
Comment: This sequence change creates a premature translational stop signal (p.Ser151Valfs*12) in the BRCA1 gene. It is expected to result in an absent or disrupted protein product. Loss-of-function variants in BRCA1 are known to be pathogenic (PMID: 20104584). This variant is not present in population databases (gnomAD no frequency). This premature translational stop signal has been observed in individual(s) with clinical features of hereditary breast and ovarian cancer syndrome (PMID: 29907814). For these reasons, this variant has been classified as Pathogenic.

Literature cited by the submitters: PubMed 20104584 (cited by Labcorp Genetics (formerly Invitae), Labcorp); PubMed 29907814 (cited by Labcorp Genetics (formerly Invitae), Labcorp).

NM_007294.4(BRCA1):c.450del (p.Ser151fs)

Gene: BRCA1 (BRCA1 DNA repair associated; minus strand). Cytogenetic location: 17q21.31.
Variant type: Deletion.
Coding change: c.450del on transcript NM_007294.4 (MANE Select); coding-DNA position 450, one base deleted (C; older notation c.450delC).
Protein change: p.Ser151fs; shifts the reading frame from serine 151.
Molecular consequence: frameshift variant. On other transcripts: non-coding transcript variant (1).
Genome position (GRCh38, 1-based): chr17:43,099,872, G deleted on the plus strand (C on the coding strand, the reverse complement: BRCA1 is on the minus strand); the first of 2 consecutive G bases (chr17:43,099,872-43,099,873); deleting either gives the same sequence. VCF-style (leftmost placement, unchanged base first): chr17-43099871-TG-T. GRCh37 (hg19) VCF-style: chr17-41251888-TG-T.
Other names: c.236delC, p.Ser80Valfs (NM_001407571.1, NM_001407853.1, NM_001407894.1 and 18 more transcripts); c.449delC, p.Ser151Valfs (NM_001407581.1, NM_001407582.1, NM_001407583.1 and 95 more transcripts); c.446delC, p.Ser150Valfs (NM_001407587.1, NM_001407590.1, NM_001407591.1 and 65 more transcripts); c.440delC, p.Ser148Valfs (NM_001407646.1, NM_001407647.1, NM_001408408.1); c.371delC, p.Ser125Valfs (NM_001407653.1, NM_001407654.1, NM_001407655.1 and 12 more transcripts); c.368delC, p.Ser124Valfs (NM_001407659.1, NM_001407660.1, NM_001407661.1 and 6 more transcripts); c.308delC, p.Ser104Valfs (NM_001407692.1, NM_001407694.1, NM_001407695.1 and 60 more transcripts); c.305delC, p.Ser103Valfs (NM_001407740.1, NM_001407741.1, NM_001407742.1 and 35 more transcripts); and 6 more; short protein forms S104fs, S151fs.
Identifiers: ClinVar variation 3704479 (VCV003704479.3).
Genomic context (GRCh38, chr17:43,099,871, plus strand): 5'-TCCGCTGCTTTGTCCTCAGAGTTCTCACAGTTCCAAGGTTAGAGAGTTGGACACTGAGAC[TG>T]GTTTCCTGCTAAACAGTATGGTAAAGAACAGTCAAGCAATTGTTGGCCAGTTCTGTGCTT-3'